The following is an entry in ClinVar:

ClinVar aggregate classification (germline): Uncertain significance. Review status: criteria provided, multiple submitters, no conflicts (2 of 4 stars). 4 submissions from 4 submitters: Uncertain significance (4). Last evaluated 2025-05-17.

Conditions:
Familial cold autoinflammatory syndrome 2 (FCAS2). Identifiers: Orphanet 247868, MedGen C2673198, MONDO:0012724, OMIM 611762.

Allele frequency attached by ClinVar (database versions not stated): TOPMed 0.00012; ESP Exome Variant Server 0.00023.

Submissions (4):

Labcorp Genetics (formerly Invitae), Labcorp
Classification: Uncertain significance for Familial cold autoinflammatory syndrome 2. Last evaluated: 2025-05-17. Review status: criteria provided, single submitter. Criteria: Invitae Variant Classification Sherloc (09022015). Collection method: clinical testing. Allele origin: germline.
Comment: This sequence change creates a premature translational stop signal (p.Gln280*) in the NLRP12 gene. It is expected to result in an absent or disrupted protein product. However, the current clinical and genetic evidence is not sufficient to establish whether loss-of-function variants in NLRP12 cause disease. This variant is present in population databases (rs145049569, gnomAD 0.03%). This variant has not been reported in the literature in individuals affected with NLRP12-related conditions. ClinVar contains an entry for this variant (Variation ID: 840510). In summary, the available evidence is currently insufficient to determine the role of this variant in disease. Therefore, it has been classified as a Variant of Uncertain Significance.

Revvity Omics, Revvity
Classification: Uncertain significance for Familial cold autoinflammatory syndrome 2. Last evaluated: 2024-01-26. Review status: criteria provided, single submitter. Criteria: ACMG Guidelines, 2015. Collection method: clinical testing. Allele origin: germline.

Women's Health and Genetics/Laboratory Corporation of America, LabCorp
Classification: Uncertain significance. Last evaluated: 2023-10-23. Review status: criteria provided, single submitter. Criteria: LabCorp Variant Classification Summary - May 2015. Collection method: clinical testing. Allele origin: germline.
Comment: Variant summary: NLRP12 c.838C>T (p.Gln280X) results in a premature termination codon, predicted to cause a truncation of the encoded protein or absence of the protein due to nonsense mediated decay. Loss-of-function variants are not well-established as a mechanism of disease in Familial Cold Autoinflammatory Syndrome 2, and variants downstream of this position have not been classified as pathogenic by our laboratory. The variant allele was found at a frequency of 2.4e-05 in 250996 control chromosomes (gnomAD). The available data on variant occurrences in the general population are insufficient to allow any conclusion about variant significance. To our knowledge, no occurrence of c.838C>T in individuals affected with Familial Cold Autoinflammatory Syndrome 2 and no experimental evidence demonstrating its impact on protein function have been reported. Two submitters have cited clinical-significance assessments for this variant to ClinVar after 2014. All submitters classified the variant as uncertain significance. Based on the evidence outlined above, the variant was classified as uncertain significance.

Blueprint Genetics
Classification: Uncertain significance. Last evaluated: 2023-09-27. Review status: criteria provided, single submitter. Criteria: ACMG Guidelines, 2015. Collection method: clinical testing. Allele origin: germline.

NM_144687.4(NLRP12):c.838C>T (p.Gln280Ter)

Gene: NLRP12 (NLR family pyrin domain containing 12; minus strand). Cytogenetic location: 19q13.42.
Variant type: single nucleotide variant.
Coding change: c.838C>T on transcript NM_144687.4 (MANE Select); coding-DNA position 838, C replaced by T.
Protein change: p.Gln280Ter; replaces glutamine 280 with a stop codon.
Molecular consequence: nonsense.
Genome position (GRCh38, 1-based): chr19:53,810,821, G>A on the plus strand (C>T on the coding strand, the complement: NLRP12 is on the minus strand). VCF-style: chr19-53810821-G-A. GRCh37 (hg19) VCF-style: chr19-54314075-G-A.
Other names: c.838C>T, p.Gln280Ter (NM_001277126.2, NM_001277129.1); short protein forms Q280*.
Identifiers: ClinVar variation 840510 (VCV000840510.11), dbSNP rs145049569, ClinGen allele CA9639596.